The following is an entry in ClinVar:

ClinVar aggregate classification (germline): Uncertain significance. Review status: criteria provided, multiple submitters, no conflicts (2 of 4 stars). 2 submissions from 2 submitters: Uncertain significance (2). Last evaluated 2025-01-23.

Conditions:
Hereditary cancer-predisposing syndrome. Also called: Neoplastic Syndromes, Hereditary; Hereditary Cancer Syndrome; Hereditary neoplastic syndrome; Tumor predisposition. Identifiers: Orphanet 140162, MedGen C0027672, MeSH D009386, MONDO:0015356.
Familial cancer of breast. Also called: BREAST CANCER, FAMILIAL; Hereditary breast cancer; hereditary breast carcinoma. Identifiers: Orphanet 227535, MedGen C0346153, MONDO:0016419, OMIM 114480. Disease mechanism: loss of function.

Submissions (2):

Labcorp Genetics (formerly Invitae), Labcorp
Classification: Uncertain significance for Familial cancer of breast. Last evaluated: 2025-01-23. Review status: criteria provided, single submitter. Criteria: Invitae Variant Classification Sherloc (09022015). Collection method: clinical testing. Allele origin: germline.
Comment: This sequence change replaces asparagine, which is neutral and polar, with aspartic acid, which is acidic and polar, at codon 186 of the CHEK2 protein (p.Asn186Asp). This variant is not present in population databases (gnomAD no frequency). This variant has not been reported in the literature in individuals affected with CHEK2-related conditions. ClinVar contains an entry for this variant (Variation ID: 460840). An algorithm developed to predict the effect of missense changes on protein structure and function (PolyPhen-2) suggests that this variant is likely to be disruptive. In summary, the available evidence is currently insufficient to determine the role of this variant in disease. Therefore, it has been classified as a Variant of Uncertain Significance.

Ambry Genetics
Classification: Uncertain significance for Hereditary cancer-predisposing syndrome. Last evaluated: 2023-12-26. Review status: criteria provided, single submitter. Criteria: Ambry Variant Classification Scheme 2023. Collection method: clinical testing. Allele origin: germline.
Comment: The p.N186D variant (also known as c.556A>G), located in coding exon 3 of the CHEK2 gene, results from an A to G substitution at nucleotide position 556. The asparagine at codon 186 is replaced by aspartic acid, an amino acid with highly similar properties. This amino acid position is highly conserved in available vertebrate species. In addition, the in silico prediction for this alteration is inconclusive. Since supporting evidence is limited at this time, the clinical significance of this alteration remains unclear.

NM_007194.4(CHEK2):c.556A>G (p.Asn186Asp)

Gene: CHEK2 (checkpoint kinase 2; minus strand). Cytogenetic location: 22q12.1.
Variant type: single nucleotide variant.
Coding change: c.556A>G on transcript NM_007194.4 (MANE Select); coding-DNA position 556, A replaced by G.
Protein change: p.Asn186Asp; replaces asparagine 186 with aspartic acid.
Molecular consequence: missense variant. On other transcripts: 5 prime UTR variant (2), intron variant (1).
Genome position (GRCh38, 1-based): chr22:28,725,013, T>C on the plus strand (A>G on the coding strand, the complement: CHEK2 is on the minus strand). VCF-style: chr22-28725013-T-C. GRCh37 (hg19) VCF-style: chr22-29121001-T-C.
Other names: c.685A>G, p.Asn229Asp (NM_001005735.3, NM_001438294.1); c.-222A>G (NM_001257387.3); c.-108A>G (NM_001437942.1); c.649A>G, p.Asn217Asp (NM_001438293.1, NM_001438295.1); c.556A>G, p.Asn186Asp (NM_145862.3); c.445-90A>G (NM_001349956.3); short protein forms N186D, N229D, N217D.
Identifiers: ClinVar variation 460840 (VCV000460840.10), dbSNP rs146198085, ClinGen allele CA411107142.